The following is an entry in ClinVar:

ClinVar aggregate classification (germline): Uncertain significance (1 of 4 stars; one submission).

Conditions:
Arrhythmogenic right ventricular dysplasia 13. Also called: Arrhythmogenic right ventricular dysplasia, familial, 13; ARRHYTHMOGENIC RIGHT VENTRICULAR CARDIOMYOPATHY 13. Identifiers: MedGen C3810138, MONDO:0000908, OMIM 615616.

Submission:

Labcorp Genetics (formerly Invitae), Labcorp
Classification: Uncertain significance for Arrhythmogenic right ventricular dysplasia 13. Last evaluated: 2022-02-01. Review status: criteria provided, single submitter. Criteria: Invitae Variant Classification Sherloc (09022015). Collection method: clinical testing. Allele origin: germline.
Comment: This variant has not been reported in the literature in individuals affected with CTNNA3-related conditions. This variant is not present in population databases (gnomAD no frequency). This sequence change replaces glutamic acid, which is acidic and polar, with glycine, which is neutral and non-polar, at codon 862 of the CTNNA3 protein (p.Glu862Gly). Algorithms developed to predict the effect of missense changes on protein structure and function are either unavailable or do not agree on the potential impact of this missense change (SIFT: "Deleterious"; PolyPhen-2: "Not Available"; Align-GVGD: "Class C0"). In summary, the available evidence is currently insufficient to determine the role of this variant in disease. Therefore, it has been classified as a Variant of Uncertain Significance.

NM_013266.4(CTNNA3):c.2585A>G (p.Glu862Gly)

Gene: CTNNA3 (catenin alpha 3; minus strand). Cytogenetic location: 10q21.3.
Variant type: single nucleotide variant.
Coding change: c.2585A>G on transcript NM_013266.4 (MANE Select); coding-DNA position 2585, A replaced by G.
Protein change: p.Glu862Gly; replaces glutamic acid 862 with glycine.
Molecular consequence: missense variant.
Genome position (GRCh38, 1-based): chr10:65,920,433, T>C on the plus strand (A>G on the coding strand, the complement: CTNNA3 is on the minus strand). VCF-style: chr10-65920433-T-C. GRCh37 (hg19) VCF-style: chr10-67680191-T-C.
Other names: c.2585A>G, p.Glu862Gly (NM_001127384.3); short protein forms E862G.
Identifiers: ClinVar variation 2091625 (VCV002091625.4), dbSNP rs2492366508, ClinGen allele CA377088798.